The following is an entry in ClinVar:

NM_000222.3(KIT):c.1825T>C (p.Tyr609His)

Gene: KIT (KIT proto-oncogene, receptor tyrosine kinase; plus strand). Cytogenetic location: 4q12.
Variant type: single nucleotide variant.
Coding change: c.1825T>C on transcript NM_000222.3 (MANE Select); coding-DNA position 1825, T replaced by C.
Protein change: p.Tyr609His; replaces tyrosine 609 with histidine.
Molecular consequence: missense variant.
Genome position (GRCh38, 1-based): chr4:54,727,873, T>C. VCF-style: chr4-54727873-T-C. GRCh37 (hg19) VCF-style: chr4-55594039-T-C.
Other names: c.1813T>C, p.Tyr605His (NM_001093772.2, NM_001385286.1); c.1828T>C, p.Tyr610His (NM_001385284.1, NM_001385290.1); c.1825T>C, p.Tyr609His (NM_001385285.1); c.1816T>C, p.Tyr606His (NM_001385288.1, NM_001385292.1); short protein forms Y605H, Y606H, Y609H, Y610H.
Identifiers: ClinVar variation 1780836 (VCV001780836.2), dbSNP rs2109779786, ClinGen allele CA356908038.

ClinVar aggregate classification (germline): Uncertain significance (1 of 4 stars; one submission).

Conditions:
Hereditary cancer-predisposing syndrome. Also called: Neoplastic Syndromes, Hereditary; Tumor predisposition; Hereditary Cancer Syndrome; Hereditary neoplastic syndrome. Identifiers: Orphanet 140162, MedGen C0027672, MeSH D009386, MONDO:0015356.

Submission:

Ambry Genetics
Classification: Uncertain significance for Hereditary cancer-predisposing syndrome. Last evaluated: 2022-05-26. Review status: criteria provided, single submitter. Criteria: Ambry Variant Classification Scheme 2023. Collection method: clinical testing. Allele origin: germline.
Comment: The p.Y609H variant (also known as c.1825T>C), located in coding exon 12 of the KIT gene, results from a T to C substitution at nucleotide position 1825. The tyrosine at codon 609 is replaced by histidine, an amino acid with similar properties. This amino acid position is conserved. In addition, the in silico prediction for this alteration is inconclusive. Since supporting evidence is limited at this time, the clinical significance of this alteration remains unclear.